The following is an entry in ClinVar:

NM_032447.5(FBN3):c.2864C>T (p.Pro955Leu)

Gene: FBN3 (fibrillin 3; minus strand). Cytogenetic location: 19p13.2.
Variant type: single nucleotide variant.
Coding change: c.2864C>T on transcript NM_032447.5 (MANE Select); coding-DNA position 2864, C replaced by T.
Protein change: p.Pro955Leu; replaces proline 955 with leucine.
Molecular consequence: missense variant.
Genome position (GRCh38, 1-based): chr19:8,123,876, G>A on the plus strand (C>T on the coding strand, the complement: FBN3 is on the minus strand). VCF-style: chr19-8123876-G-A. GRCh37 (hg19) VCF-style: chr19-8188760-G-A.
Other names: c.2864C>T, p.Pro955Leu (NM_001321431.2); short protein forms P955L.
Identifiers: ClinVar variation 2072437 (VCV002072437.6), dbSNP rs149142431, ClinGen allele CA9152688.

ClinVar aggregate classification (germline): Uncertain significance. Review status: criteria provided, multiple submitters, no conflicts (2 of 4 stars). 2 submissions from 2 submitters: Uncertain significance (2). Last evaluated 2025-11-10.

Allele frequency attached by ClinVar (database versions not stated): gnomAD 0.00002; ExAC 0.00003; ESP Exome Variant Server 0.00008; 1000 Genomes Project 30x 0.00031; 1000 Genomes Project 0.00040.
gnomAD v4.1: 45 of 1,613,324 alleles (0.0028%); highest among the groups gnomAD compares: East Asian, 0.0067%; no homozygotes.

Submissions (2):

Labcorp Genetics (formerly Invitae), Labcorp
Classification: Uncertain significance. Last evaluated: 2025-11-10. Review status: criteria provided, single submitter. Criteria: Invitae Variant Classification Sherloc (09022015). Collection method: clinical testing. Allele origin: germline.
Comment: This sequence change replaces proline, which is neutral and non-polar, with leucine, which is neutral and non-polar, at codon 955 of the FBN3 protein (p.Pro955Leu). This variant is present in population databases (rs149142431, gnomAD 0.01%). This variant has not been reported in the literature in individuals affected with FBN3-related conditions. ClinVar contains an entry for this variant (Variation ID: 2072437). Invitae Evidence Modeling of protein sequence and biophysical properties (such as structural, functional, and spatial information, amino acid conservation, physicochemical variation, residue mobility, and thermodynamic stability) indicates that this missense variant is expected to disrupt FBN3 protein function with a positive predictive value of 80%. In summary, the available evidence is currently insufficient to determine the role of this variant in disease. Therefore, it has been classified as a Variant of Uncertain Significance.

Ambry Genetics
Classification: Uncertain significance. Last evaluated: 2025-05-15. Review status: criteria provided, single submitter. Criteria: Ambry Variant Classification Scheme 2023. Collection method: clinical testing. Allele origin: germline.